The following is an entry in ClinVar:

NM_015100.4(POGZ):c.400A>G (p.Asn134Asp)

Gene: POGZ (pogo transposable element derived with ZNF domain; minus strand). Cytogenetic location: 1q21.3.
Variant type: single nucleotide variant.
Coding change: c.400A>G on transcript NM_015100.4 (MANE Select); coding-DNA position 400, A replaced by G.
Protein change: p.Asn134Asp; replaces asparagine 134 with aspartic acid.
Molecular consequence: missense variant. On other transcripts: intron variant (1).
Genome position (GRCh38, 1-based): chr1:151,430,725, T>C on the plus strand (A>G on the coding strand, the complement: POGZ is on the minus strand). VCF-style: chr1-151430725-T-C. GRCh37 (hg19) VCF-style: chr1-151403201-T-C.
Other names: c.400A>G, p.Asn134Asp (NM_001194937.2); c.241A>G, p.Asn81Asp (NM_001194938.2, NM_207171.2); c.421A>G, p.Asn141Asp (NM_001410860.1); c.284-2312A>G (NM_145796.4); short protein forms N134D, N141D, N81D.
Identifiers: ClinVar variation 3899482 (VCV003899482.1).

ClinVar aggregate classification (germline): Uncertain significance (1 of 4 stars; one submission).

gnomAD v4.1: 2 of 1,610,150 alleles (0.00012%); highest among the groups gnomAD compares: Non-Finnish European, 0.00017%; no homozygotes.

Submission:

GeneDx
Classification: Uncertain significance. Last evaluated: 2024-11-13. Review status: criteria provided, single submitter. Criteria: GeneDx Variant Classification Process June 2021. Collection method: clinical testing. Allele origin: germline. Affected: yes.
Comment: Not observed at significant frequency in large population cohorts (gnomAD); In silico analysis supports that this missense variant has a deleterious effect on protein structure/function; Has not been previously published as pathogenic or benign to our knowledge